The following is an entry in ClinVar:

NC_000007.14:g.(?_124823962)_(124859122_?)dup

Gene: POT1 (protection of telomeres 1; minus strand). Cytogenetic location: 7q31.33.
Variant type: Duplication.
Identifiers: ClinVar variation 830574 (VCV000830574.7).

ClinVar aggregate classification (germline): Uncertain significance (1 of 4 stars; one submission).

Conditions:
Tumor predisposition syndrome 3 (TPDS3). Also called: Glioma susceptibility 9; LONG TELOMERE SYNDROME, POT1-RELATED; POT1 Tumor Predisposition; Melanoma, cutaneous malignant, susceptibility to, 10. Identifiers: Orphanet 618, MedGen C4014476, MONDO:0014368, OMIM 615848.

Submission:

Labcorp Genetics (formerly Invitae), Labcorp
Classification: Uncertain significance for Tumor predisposition syndrome 3. Last evaluated: 2023-06-16. Review status: criteria provided, single submitter. Criteria: Invitae Variant Classification Sherloc (09022015). Collection method: clinical testing. Allele origin: germline.
Comment: In summary, the available evidence is currently insufficient to determine the role of this variant in disease. Therefore, it has been classified as a Variant of Uncertain Significance. This variant has not been reported in the literature in individuals affected with POT1-related conditions. This variant results in a copy number gain of the genomic region encompassing exon(s) 9-19 of the POT1 gene. While the exact position of this variant cannot be determined from the data, sub-genic copy number gains are generally in tandem (PMID: 25640679). This variant is predicted to be in-frame, and likely preserves the integrity of the reading frame.

Literature cited by the submitters: PubMed 25640679.